The following is an entry in ClinVar:

NM_017654.4(SAMD9):c.2270A>G (p.Lys757Arg)

Gene: SAMD9 (sterile alpha motif domain containing 9; minus strand). Cytogenetic location: 7q21.2.
Variant type: single nucleotide variant.
Coding change: c.2270A>G on transcript NM_017654.4 (MANE Select); coding-DNA position 2270, A replaced by G.
Protein change: p.Lys757Arg; replaces lysine 757 with arginine.
Molecular consequence: missense variant.
Genome position (GRCh38, 1-based): chr7:93,103,828, T>C on the plus strand (A>G on the coding strand, the complement: SAMD9 is on the minus strand). VCF-style: chr7-93103828-T-C. GRCh37 (hg19) VCF-style: chr7-92733141-T-C.
Other names: c.2270A>G, p.Lys757Arg (NM_001193307.2); short protein forms K757R.
Identifiers: ClinVar variation 5028762 (VCV005028762.1).

ClinVar aggregate classification (germline): Uncertain significance (1 of 4 stars; one submission).

Conditions:
Inborn genetic diseases. Identifiers: MedGen C0950123, MeSH D030342.

Submission:

Ambry Genetics
Classification: Uncertain significance for Inborn genetic diseases. Last evaluated: 2026-07-13. Review status: criteria provided, single submitter. Criteria: Ambry Variant Classification Scheme 2023. Collection method: clinical testing. Allele origin: germline.
Comment: The p.K757R variant (also known as c.2270A>G), located in coding exon 1 of the SAMD9 gene, results from an A to G substitution at nucleotide position 2270. The lysine at codon 757 is replaced by arginine, an amino acid with highly similar properties. This amino acid position is conserved. In addition, this alteration is predicted to be tolerated by in silico analysis. Based on the available evidence, the clinical significance of this variant remains unclear.